The following is an entry in ClinVar:

ClinVar aggregate classification (germline): Benign/Likely benign. Review status: criteria provided, multiple submitters, no conflicts (2 of 4 stars). 15 submissions from 15 submitters: Benign (8); Likely benign (3). 4 of the submissions do not count toward it. Last evaluated 2026-02-03.

Conditions:
Dilated cardiomyopathy 1G (CMD1G). Identifiers: Orphanet 154, MedGen C1858763, MONDO:0011400, OMIM 604145.
Autosomal recessive limb-girdle muscular dystrophy type 2J (LGMDR10). Also called: Limb-girdle muscular dystrophy, type 2J; MUSCULAR DYSTROPHY, LIMB-GIRDLE, AUTOSOMAL RECESSIVE 10. Identifiers: Orphanet 140922, MedGen C1837342, MONDO:0012127, OMIM 608807.
Cardiomyopathy (CMYO). Also called: Cardiomyopathies. Identifiers: Orphanet 167848, MedGen C0878544, MONDO:0004994, HP:0001638. Inheritance: Various modes of inheritance.

Submissions (15):

Labcorp Genetics (formerly Invitae), Labcorp
Classification: Likely benign for Dilated cardiomyopathy 1G; Autosomal recessive limb-girdle muscular dystrophy type 2J. Last evaluated: 2026-02-03. Review status: criteria provided, single submitter. Criteria: Invitae Variant Classification Sherloc (09022015). Collection method: clinical testing. Allele origin: germline.

Molecular Diagnostic Laboratory for Inherited Cardiovascular Disease, Montreal Heart Institute
Classification: Benign. Last evaluated: 2025-04-09. Review status: criteria provided, single submitter. Criteria: ACMG Guidelines, 2015. Collection method: clinical testing. Allele origin: germline. Affected: no.

ARUP Laboratories, Molecular Genetics and Genomics, ARUP Laboratories
Classification: Benign. Last evaluated: 2025-04-08. Review status: criteria provided, single submitter. Criteria: ARUP Molecular Germline Variant Investigation Process 2024. Collection method: clinical testing. Allele origin: germline.

Blueprint Genetics
Classification: Likely benign. Last evaluated: 2024-11-26. Review status: criteria provided, single submitter. Criteria: ACMG Guidelines, 2015. Collection method: clinical testing. Allele origin: germline.

CeGaT Center for Human Genetics Tuebingen
Classification: Benign. Last evaluated: 2023-07-01. Review status: criteria provided, single submitter. Criteria: CeGaT Center For Human Genetics Tuebingen Variant Classification Criteria Version 2. Collection method: clinical testing. Allele origin: germline. Affected: yes. Observed: 5 variant alleles.
Comment: TTN: BS1, BS2

Mayo Clinic Laboratories, Mayo Clinic
Classification: Benign. Last evaluated: 2023-03-17. Review status: criteria provided, single submitter. Criteria: ACMG Guidelines, 2015. Collection method: clinical testing. Allele origin: germline. Observed: 36 variant alleles.
Comment: BS1, BS2, BP4, BP7

GeneDx
Classification: Likely benign. Last evaluated: 2020-09-22. Review status: criteria provided, single submitter. Criteria: GeneDx Variant Classification Process June 2021. Collection method: clinical testing. Allele origin: germline. Affected: yes.

Women's Health and Genetics/Laboratory Corporation of America, LabCorp
Classification: Benign. Last evaluated: 2020-07-04. Review status: criteria provided, single submitter. Criteria: LabCorp Variant Classification Summary - May 2015. Collection method: clinical testing. Allele origin: germline.

CHEO Genetics Diagnostic Laboratory, Children's Hospital of Eastern Ontario
Classification: Benign for Cardiomyopathy. Last evaluated: 2016-03-22. Review status: criteria provided, single submitter. Criteria: ACMG Guidelines, 2015. Collection method: clinical testing. Allele origin: germline. Study: Canadian Open Genetics Repository.

Eurofins Ntd Llc (ga)
Classification: Benign. Last evaluated: 2015-11-19. Review status: criteria provided, single submitter. Criteria: EGL Classification Definitions. Collection method: clinical testing. Allele origin: germline. Observed: 4 variant alleles.

Laboratory for Molecular Medicine, Mass General Brigham Personalized Medicine
Classification: Benign. Last evaluated: 2015-03-04. Review status: criteria provided, single submitter. Criteria: LMM Criteria. Collection method: clinical testing. Allele origin: germline. Observed: 5 variant alleles.
Comment: c.23030-29_23030-10dup in intron 89 of TTN: This variant is part of a 5 bp repea t (TTTGT) and adds 4 repeat units to 6 present in the reference sequence. It is not expected to have clinical significance because it has been identified in 1.5 % (25/1672) of Finnish chromosomes and 0.7% (59/8302) of European chromosomes by the Exome Aggregation Consortium (ExAC; dbSNP r s71393436).

Clinical Genetics DNA and cytogenetics Diagnostics Lab, Erasmus MC, Erasmus Medical Center
Classification: Benign. Review status: no assertion criteria provided. Collection method: clinical testing. Allele origin: germline. Affected: yes. Study: VKGL Data-share Consensus. Not counted in ClinVar's aggregate classification.

Clinical Genetics, Academic Medical Center
Classification: Benign. Review status: no assertion criteria provided. Collection method: clinical testing. Allele origin: germline. Affected: yes. Study: VKGL Data-share Consensus. Not counted in ClinVar's aggregate classification.

Diagnostic Laboratory, Department of Genetics, University Medical Center Groningen
Classification: Likely benign. Review status: no assertion criteria provided. Collection method: clinical testing. Allele origin: germline. Affected: yes. Study: VKGL Data-share Consensus. Not counted in ClinVar's aggregate classification.

Laboratory of Diagnostic Genome Analysis, Leiden University Medical Center (LUMC)
Classification: Likely benign. Review status: no assertion criteria provided. Collection method: clinical testing. Allele origin: germline. Affected: yes. Study: VKGL Data-share Consensus. Not counted in ClinVar's aggregate classification.

NM_001267550.2(TTN):c.26762-39TTTGT[10]

Gene: TTN (titin; minus strand). Cytogenetic location: 2q31.2.
Variant type: Microsatellite.
Coding change: c.26762-39TTTGT[10] on transcript NM_001267550.2 (MANE Select); ten copies in a row of the 5-base unit TTTGT starting at c.26762-39; the reference has six copies in a row; four copies, 20 bases duplicated.
Molecular consequence: intron variant.
Genome position (GRCh38, 1-based): chr2:178,713,382-178,713,401, ACAAAACAAAACAAAACAAA duplicated on the plus strand (TTTGTTTTGTTTTGTTTTGT on the coding strand, the reverse complement: TTN is on the minus strand); duplicating any 20 consecutive bases within chr2:178,713,382-178,713,412 gives the same sequence; the position shown is the placement nearest the transcript's 3' end. VCF-style (leftmost placement, unchanged base first): chr2-178713381-T-TACAAAACAAAACAAAACAAA. GRCh37 (hg19) VCF-style: chr2-179578108-T-TACAAAACAAAACAAAACAAA.
Other names: p.?; c.26762-29_26762-10dup (NM_001267550.2); c.23030-29_23030-10dup20 (NM_133378.4); c.13282+24671TTTGT[10] (NM_003319.4); c.13858+24671TTTGT[10] (NM_133437.4); c.13657+24671TTTGT[10] (NM_133432.3); c.23030-39TTTGT[10] (NM_133378.4); c.25811-39TTTGT[10] (NM_001256850.1).
Identifiers: ClinVar variation 167797 (VCV000167797.60), dbSNP rs71393436, ClinGen allele CA333576.